The following is an entry in ClinVar:

NM_016235.3(GPRC5B):c.1122C>T (p.Asn374=)

Gene: GPRC5B (G protein-coupled receptor class C group 5 member B; minus strand). Cytogenetic location: 16p12.3.
Variant type: single nucleotide variant.
Coding change: c.1122C>T on transcript NM_016235.3 (MANE Select); coding-DNA position 1122, C replaced by T.
Protein change: p.Asn374=; no amino-acid change (asparagine 374 retained).
Molecular consequence: synonymous variant.
Genome position (GRCh38, 1-based): chr16:19,861,882, G>A on the plus strand (C>T on the coding strand, the complement: GPRC5B is on the minus strand). VCF-style: chr16-19861882-G-A. GRCh37 (hg19) VCF-style: chr16-19873204-G-A.
Other names: c.1515C>T, p.Asn505= (NM_001304771.1).
Identifiers: ClinVar variation 4873973 (VCV004873973.2).

ClinVar aggregate classification (germline): Likely benign (1 of 4 stars; one submission).

Submission:

CeGaT Center for Human Genetics Tuebingen
Classification: Likely benign. Last evaluated: 2026-06-01. Review status: criteria provided, single submitter. Criteria: CeGaT Center For Human Genetics Tuebingen Variant Classification Criteria Version 2. Collection method: clinical testing. Allele origin: germline. Affected: yes. Observed: 1 variant allele.
Comment: GPRC5B: BP4, BP7